The following is an entry in ClinVar:

NM_001134363.3(RBM20):c.2726T>A (p.Val909Glu)

Gene: RBM20 (RNA binding motif protein 20; plus strand). Cytogenetic location: 10q25.2.
Variant type: single nucleotide variant.
Coding change: c.2726T>A on transcript NM_001134363.3 (MANE Select); coding-DNA position 2726, T replaced by A.
Protein change: p.Val909Glu; replaces valine 909 with glutamic acid.
Molecular consequence: missense variant.
Genome position (GRCh38, 1-based): chr10:110,821,345, T>A. VCF-style: chr10-110821345-T-A. GRCh37 (hg19) VCF-style: chr10-112581103-T-A.
Other names: short protein forms V909E.
Identifiers: ClinVar variation 2811919 (VCV002811919.3), dbSNP rs2493493200, ClinGen allele CA378377311.

ClinVar aggregate classification (germline): Uncertain significance (1 of 4 stars; one submission).

Conditions:
Dilated cardiomyopathy 1DD (CMD1DD). Identifiers: Orphanet 154, MedGen C2750995, MONDO:0013168, OMIM 613172.

Submission:

Labcorp Genetics (formerly Invitae), Labcorp
Classification: Uncertain significance for Dilated cardiomyopathy 1DD. Last evaluated: 2022-11-04. Review status: criteria provided, single submitter. Criteria: Invitae Variant Classification Sherloc (09022015). Collection method: clinical testing. Allele origin: germline.
Comment: This variant has not been reported in the literature in individuals affected with RBM20-related conditions. Advanced modeling of protein sequence and biophysical properties (such as structural, functional, and spatial information, amino acid conservation, physicochemical variation, residue mobility, and thermodynamic stability) performed at Invitae indicates that this missense variant is not expected to disrupt RBM20 protein function. In summary, the available evidence is currently insufficient to determine the role of this variant in disease. Therefore, it has been classified as a Variant of Uncertain Significance. This variant is not present in population databases (gnomAD no frequency). This sequence change replaces valine, which is neutral and non-polar, with glutamic acid, which is acidic and polar, at codon 909 of the RBM20 protein (p.Val909Glu).